The following is an entry in ClinVar:

NM_014271.4(IL1RAPL1):c.1489C>G (p.Arg497Gly)

Gene: IL1RAPL1 (interleukin 1 receptor accessory protein like 1; plus strand). Cytogenetic location: Xp21.2.
Variant type: single nucleotide variant.
Coding change: c.1489C>G on transcript NM_014271.4 (MANE Select); coding-DNA position 1489, C replaced by G.
Protein change: p.Arg497Gly; replaces arginine 497 with glycine.
Molecular consequence: missense variant.
Genome position (GRCh38, 1-based): chrX:29,955,218, C>G. VCF-style: chrX-29955218-C-G. GRCh37 (hg19) VCF-style: chrX-29973335-C-G.
Other names: short protein forms R497G.
Identifiers: ClinVar variation 2580459 (VCV002580459.1), dbSNP rs144365564, ClinGen allele CA412634352.

ClinVar aggregate classification (germline): Uncertain significance (1 of 4 stars; one submission).

Submission:

GeneDx
Classification: Uncertain significance. Last evaluated: 2023-03-24. Review status: criteria provided, single submitter. Criteria: GeneDx Variant Classification Process June 2021. Collection method: clinical testing. Allele origin: germline. Affected: yes.
Comment: Not observed at significant frequency in large population cohorts (gnomAD); In silico analysis supports that this missense variant does not alter protein structure/function; Has not been previously published as pathogenic or benign to our knowledge